The following is an entry in ClinVar:

NM_004972.4(JAK2):c.489_490delinsTT (p.Gly164Ter)

Genes: INSL6 (insulin like 6; minus strand), JAK2 (Janus kinase 2; plus strand). Cytogenetic location: 9p24.1.
Variant type: Indel.
Coding change: c.489_490delinsTT on transcript NM_004972.4 (MANE Select); coding-DNA positions 489 to 490, CG replaced by TT.
Protein change: p.Gly164Ter; replaces glycine 164 with a stop codon.
Molecular consequence: nonsense. On other transcripts: 5 prime UTR variant (2), non-coding transcript variant (2).
Genome position (GRCh38, 1-based): chr9:5,050,706-5,050,707, CG replaced by TT. VCF-style: chr9-5050706-CG-TT. GRCh37 (hg19) VCF-style: chr9-5050706-CG-TT.
Other names: c.489_490delinsTT, p.Gly164Ter (NM_001322194.2, NM_001322195.2, NM_001322196.2); c.-632_-631delinsTT (NM_001322198.2, NM_001322199.2); c.42_43delinsTT, p.Gly15Ter (NM_001322204.2); short protein forms G15*, G164*.
Identifiers: ClinVar variation 4729703 (VCV004729703.1).

ClinVar aggregate classification (germline): Uncertain significance (1 of 4 stars; one submission).

Submission:

Labcorp Genetics (formerly Invitae), Labcorp
Classification: Uncertain significance. Last evaluated: 2025-10-23. Review status: criteria provided, single submitter. Criteria: Invitae Variant Classification Sherloc (09022015). Collection method: clinical testing. Allele origin: germline.
Comment: This sequence change creates a premature translational stop signal (p.Gly164*) in the JAK2 gene. It is expected to result in an absent or disrupted protein product. However, the current clinical and genetic evidence is not sufficient to establish whether loss-of-function variants in JAK2 cause disease. Information on the frequency of this variant in the gnomAD database is not available, as this variant may be reported differently in the database. This variant has not been reported in the literature in individuals affected with JAK2-related conditions. In summary, the available evidence is currently insufficient to determine the role of this variant in disease. Therefore, it has been classified as a Variant of Uncertain Significance.